The following is an entry in ClinVar:

NM_006306.4(SMC1A):c.116C>G (p.Ser39Ter)

Gene: SMC1A (structural maintenance of chromosomes 1A; minus strand). Cytogenetic location: Xp11.22.
Variant type: single nucleotide variant.
Coding change: c.116C>G on transcript NM_006306.4 (MANE Select); coding-DNA position 116, C replaced by G.
Protein change: p.Ser39Ter; replaces serine 39 with a stop codon.
Molecular consequence: nonsense.
Genome position (GRCh38, 1-based): chrX:53,415,163, G>C on the plus strand (C>G on the coding strand, the complement: SMC1A is on the minus strand). VCF-style: chrX-53415163-G-C. GRCh37 (hg19) VCF-style: chrX-53442112-G-C.
Other names: c.50C>G, p.Ser17Ter (NM_001281463.1); short protein forms S17*, S39*.
Identifiers: ClinVar variation 374391 (VCV000374391.1), dbSNP rs1057518670, ClinGen allele CA16043711.

ClinVar aggregate classification (germline): Pathogenic (0 of 4 stars; one submission).

Conditions:
Congenital muscular hypertrophy-cerebral syndrome (CDLS2). Also called: Cornelia de Lange syndrome 2; SMC1A-Related Cornelia de Lange Syndrome. Identifiers: Orphanet 199, MedGen C1802395, MONDO:0010370, OMIM 300590.

Submission:

Baylor Genetics
Classification: Pathogenic for Congenital muscular hypertrophy-cerebral syndrome. Last evaluated: 2016-05-01. Review status: no assertion criteria provided. Collection method: clinical testing. Allele origin: de novo. Inheritance: Autosomal dominant inheritance. Affected: yes.